The following is an entry in ClinVar:

ClinVar aggregate classification (germline): Pathogenic (1 of 4 stars; one submission).

Submission:

Labcorp Genetics (formerly Invitae), Labcorp
Classification: Pathogenic. Last evaluated: 2023-05-22. Review status: criteria provided, single submitter. Criteria: Invitae Variant Classification Sherloc (09022015). Collection method: clinical testing. Allele origin: unknown.
Comment: This variant is a gross deletion of the genomic region encompassing exon(s) 2-5 of the SLC34A1 gene, which includes the initiator codon. This deletion extends beyond the assayed region for this gene and therefore may encompass additional genes. It is expected to result in an absent or disrupted protein product. Loss-of-function variants in SLC34A1 are known to be pathogenic (PMID: 26047794). This variant has not been reported in the literature in individuals affected with SLC34A1-related conditions. For these reasons, this variant has been classified as Pathogenic.

Literature cited by the submitters: PubMed 26047794.

NC_000005.9:g.(?_176812743)_(176813587_?)del

Gene: SLC34A1 (solute carrier family 34 member 1; plus strand). Cytogenetic location: 5q35.3.
Variant type: Deletion.
Identifiers: ClinVar variation 3246508 (VCV003246508.1).